The following is an entry in ClinVar:

NM_002474.3(MYH11):c.2185G>C (p.Glu729Gln)

Gene: MYH11 (myosin heavy chain 11; minus strand). Cytogenetic location: 16p13.11.
Variant type: single nucleotide variant.
Coding change: c.2185G>C on transcript NM_002474.3 (MANE Select); coding-DNA position 2185, G replaced by C.
Protein change: p.Glu729Gln; replaces glutamic acid 729 with glutamine.
Molecular consequence: missense variant.
Genome position (GRCh38, 1-based): chr16:15,747,939, C>G on the plus strand (G>C on the coding strand, the complement: MYH11 is on the minus strand). VCF-style: chr16-15747939-C-G. GRCh37 (hg19) VCF-style: chr16-15841796-C-G.
Other names: c.2206G>C, p.Glu736Gln (NM_001040113.2, NM_001040114.2); c.2185G>C, p.Glu729Gln (NM_022844.3); short protein forms E729Q, E736Q.
Identifiers: ClinVar variation 4768682 (VCV004768682.1).

ClinVar aggregate classification (germline): Uncertain significance (1 of 4 stars; one submission).

Conditions:
Aortic aneurysm, familial thoracic 4 (AAT4). Also called: AORTIC ANEURYSM/AORTIC DISSECTION AND PATENT DUCTUS ARTERIOSUS. Identifiers: MedGen C1851504, MONDO:0007568, OMIM 132900.

gnomAD v4.1: 1 of 1,614,084 alleles (0.000062%); highest among the groups gnomAD compares: Admixed American, 0.0017%; no homozygotes.

Submission:

Labcorp Genetics (formerly Invitae), Labcorp
Classification: Uncertain significance for Aortic aneurysm, familial thoracic 4. Last evaluated: 2025-08-19. Review status: criteria provided, single submitter. Criteria: Invitae Variant Classification Sherloc (09022015). Collection method: clinical testing. Allele origin: germline.
Comment: This sequence change replaces glutamic acid, which is acidic and polar, with glutamine, which is neutral and polar, at codon 736 of the MYH11 protein (p.Glu736Gln). This variant is not present in population databases (gnomAD no frequency). This variant has not been reported in the literature in individuals affected with MYH11-related conditions. Invitae Evidence Modeling of protein sequence and biophysical properties (such as structural, functional, and spatial information, amino acid conservation, physicochemical variation, residue mobility, and thermodynamic stability) indicates that this missense variant is not expected to disrupt MYH11 protein function with a negative predictive value of 95%. In summary, the available evidence is currently insufficient to determine the role of this variant in disease. Therefore, it has been classified as a Variant of Uncertain Significance.